The following is an entry in ClinVar:

NM_001375380.1(EBF3):c.1493T>C (p.Met498Thr)

Gene: EBF3 (EBF transcription factor 3; minus strand). Cytogenetic location: 10q26.3.
Variant type: single nucleotide variant.
Coding change: c.1493T>C on transcript NM_001375380.1 (MANE Select); coding-DNA position 1493, T replaced by C.
Protein change: p.Met498Thr; replaces methionine 498 with threonine.
Molecular consequence: missense variant. On other transcripts: intron variant (1).
Genome position (GRCh38, 1-based): chr10:129,840,912, A>G on the plus strand (T>C on the coding strand, the complement: EBF3 is on the minus strand). VCF-style: chr10-129840912-A-G. GRCh37 (hg19) VCF-style: chr10-131639176-A-G.
Other names: c.1466T>C, p.Met489Thr (NM_001005463.3, NM_001375390.1); c.1493T>C, p.Met498Thr (NM_001375379.1, NM_001375389.1, NM_001375391.1); c.1346-470T>C (NM_001375392.1); short protein forms M489T, M498T.
Identifiers: ClinVar variation 3907946 (VCV003907946.1).

ClinVar aggregate classification (germline): Uncertain significance (1 of 4 stars; one submission).

gnomAD v4.1: 2 of 1,614,186 alleles (0.00012%); highest among the groups gnomAD compares: Non-Finnish European, 0.00017%; no homozygotes.

Submission:

GeneDx
Classification: Uncertain significance. Last evaluated: 2024-12-26. Review status: criteria provided, single submitter. Criteria: GeneDx Variant Classification Process June 2021. Collection method: clinical testing. Allele origin: germline. Affected: yes.
Comment: Not observed at significant frequency in large population cohorts (gnomAD); In silico analysis indicates that this missense variant does not alter protein structure/function; Has not been previously published as pathogenic or benign to our knowledge